The following is an entry in ClinVar:

ClinVar aggregate classification (germline): Likely benign (1 of 4 stars; one submission).

gnomAD v4.1: 586 of 1,613,980 alleles (0.036%); highest among the groups gnomAD compares: East Asian, 1%; 1 homozygote.

Submission:

CeGaT Center for Human Genetics Tuebingen
Classification: Likely benign. Last evaluated: 2026-07-01. Review status: criteria provided, single submitter. Criteria: CeGaT Center For Human Genetics Tuebingen Variant Classification Criteria Version 2. Collection method: clinical testing. Allele origin: germline. Affected: yes. Observed: 1 variant allele.
Comment: LRRTM2: BP4, BP7

NM_015564.3(LRRTM2):c.1122T>C (p.Tyr374=)

Genes: CTNNA1 (catenin alpha 1; plus strand), LRRTM2 (leucine rich repeat transmembrane neuronal 2; minus strand). Cytogenetic location: 5q31.2.
Variant type: single nucleotide variant.
Coding change: c.1122T>C on transcript NM_015564.3 (MANE Select); coding-DNA position 1122, T replaced by C.
Protein change: p.Tyr374=; no amino-acid change (tyrosine 374 retained).
Molecular consequence: synonymous variant. On other transcripts: intron variant (9).
Genome position (GRCh38, 1-based): chr5:138,873,439, A>G on the plus strand (T>C on the coding strand, the complement: LRRTM2 is on the minus strand). VCF-style: chr5-138873439-A-G. GRCh37 (hg19) VCF-style: chr5-138209128-A-G.
Other names: c.1063-12773A>G (NM_001323982.2, NM_001323984.2, NM_001290307.3 and 4 more transcripts); c.694-12773A>G (NM_001290310.3); c.754-12773A>G (NM_001290309.3).
Identifiers: ClinVar variation 5039079 (VCV005039079.1).